The following is an entry in ClinVar:

NM_000152.5(GAA):c.961G>T (p.Val321Phe)

Gene: GAA (alpha glucosidase; plus strand). Cytogenetic location: 17q25.3.
Variant type: single nucleotide variant.
Coding change: c.961G>T on transcript NM_000152.5 (MANE Select); coding-DNA position 961, G replaced by T.
Protein change: p.Val321Phe; replaces valine 321 with phenylalanine.
Molecular consequence: missense variant.
Genome position (GRCh38, 1-based): chr17:80,108,295, G>T. VCF-style: chr17-80108295-G-T. GRCh37 (hg19) VCF-style: chr17-78082094-G-T.
Other names: c.961G>T, p.Val321Phe (NM_001079803.3, NM_001079804.3, NM_001406741.1 and 1 more transcripts); short protein forms V321F.
Identifiers: ClinVar variation 1942847 (VCV001942847.5), dbSNP rs895612400, ClinGen allele CA401364382.

ClinVar aggregate classification (germline): Uncertain significance. Review status: criteria provided, multiple submitters, no conflicts (2 of 4 stars). 2 submissions from 2 submitters: Uncertain significance (2). Last evaluated 2023-12-22.

Conditions:
Glycogen storage disease, type II (IOPD). Also called: POMPE DISEASE, INFANTILE-ONSET; GLYCOGEN STORAGE DISEASE II, INFANTILE-ONSET; ACID ALPHA-GLUCOSIDASE DEFICIENCY, INFANTILE-ONSET; GAA DEFICIENCY, INFANTILE-ONSET; ACID MALTASE DEFICIENCY, INFANTILE-ONSET; CARDIOMEGALIA GLYCOGENICA DIFFUSA. Identifiers: Orphanet 365, MedGen C0017921, MONDO:0009290, OMIM 232300.

gnomAD v4.1: 1 of 1,613,584 alleles (0.000062%); highest among the groups gnomAD compares: South Asian, 0.0011%; no homozygotes.

Submissions (2):

Labcorp Genetics (formerly Invitae), Labcorp
Classification: Uncertain significance for Glycogen storage disease, type II. Last evaluated: 2023-12-22. Review status: criteria provided, single submitter. Criteria: Invitae Variant Classification Sherloc (09022015). Collection method: clinical testing. Allele origin: germline.
Comment: This sequence change replaces valine, which is neutral and non-polar, with phenylalanine, which is neutral and non-polar, at codon 321 of the GAA protein (p.Val321Phe). This variant is not present in population databases (gnomAD no frequency). This variant has not been reported in the literature in individuals affected with GAA-related conditions. ClinVar contains an entry for this variant (Variation ID: 1942847). Advanced modeling of protein sequence and biophysical properties (such as structural, functional, and spatial information, amino acid conservation, physicochemical variation, residue mobility, and thermodynamic stability) performed at Invitae indicates that this missense variant is not expected to disrupt GAA protein function with a negative predictive value of 95%. In summary, the available evidence is currently insufficient to determine the role of this variant in disease. Therefore, it has been classified as a Variant of Uncertain Significance.

Revvity Omics, Revvity
Classification: Uncertain significance. Last evaluated: 2023-08-22. Review status: criteria provided, single submitter. Criteria: ACMG Guidelines, 2015. Collection method: clinical testing. Allele origin: germline.